The following is an entry in ClinVar:

NM_018646.6(TRPV6):c.634T>G (p.Cys212Gly)

Gene: TRPV6 (transient receptor potential cation channel subfamily V member 6; minus strand). Cytogenetic location: 7q34.
Variant type: single nucleotide variant.
Coding change: c.634T>G on transcript NM_018646.6 (MANE Select); coding-DNA position 634, T replaced by G.
Protein change: p.Cys212Gly; replaces cysteine 212 with glycine.
Molecular consequence: missense variant.
Genome position (GRCh38, 1-based): chr7:142,876,811, A>C on the plus strand (T>G on the coding strand, the complement: TRPV6 is on the minus strand). VCF-style: chr7-142876811-A-C. GRCh37 (hg19) VCF-style: chr7-142574564-A-C.
Other names: c.514T>G (NM_018646.2); short protein forms C212G.
Identifiers: ClinVar variation 3692328 (VCV003692328.3).
Genomic context (GRCh38, chr7:142,876,811, plus strand): 5'-GGGCCCGGATGTCAGCTCCATGCTCAATGAGCAGCCGCACGATCTCCTCACTGTTCACAC[A>C]GGCAGCAAAGGACAAAGGGTGCTCCCCTGTGGACACAGAGAGATCTATGGTAGGAGAGTG-3'
Protein context (NP_061116.5, residues 202-222): FGEHPLSFAA[Cys212Gly]VNSEEIVRLL

ClinVar aggregate classification (germline): Uncertain significance. Review status: criteria provided, multiple submitters, no conflicts (2 of 4 stars). 2 submissions from 2 submitters: Uncertain significance (2). Last evaluated 2025-03-28.

Conditions:
Inborn genetic diseases. Identifiers: MedGen C0950123, MeSH D030342.

Submissions (2):

Ambry Genetics
Classification: Uncertain significance for Inborn genetic diseases. Last evaluated: 2025-03-28. Review status: criteria provided, single submitter. Criteria: Ambry Variant Classification Scheme 2023. Collection method: clinical testing. Allele origin: germline.

Labcorp Genetics (formerly Invitae), Labcorp
Classification: Uncertain significance. Last evaluated: 2024-08-22. Review status: criteria provided, single submitter. Criteria: Invitae Variant Classification Sherloc (09022015). Collection method: clinical testing. Allele origin: germline.
Comment: This sequence change replaces cysteine, which is neutral and slightly polar, with glycine, which is neutral and non-polar, at codon 212 of the TRPV6 protein (p.Cys212Gly). This variant is not present in population databases (gnomAD no frequency). This variant has not been reported in the literature in individuals affected with TRPV6-related conditions. Experimental studies and prediction algorithms are not available or were not evaluated, and the functional significance of this variant is currently unknown. In summary, the available evidence is currently insufficient to determine the role of this variant in disease. Therefore, it has been classified as a Variant of Uncertain Significance.